The following is an entry in ClinVar:

NM_002519.3(NPAT):c.37+1G>C

Gene: NPAT (nuclear protein, coactivator of histone transcription; minus strand). Cytogenetic location: 11q22.3.
Variant type: single nucleotide variant.
Coding change: c.37+1G>C on transcript NM_002519.3 (MANE Select); the canonical splice donor site of the intron after coding-DNA position 37, G replaced by C.
Molecular consequence: splice donor variant.
Genome position (GRCh38, 1-based): chr11:108,222,499, C>G on the plus strand (G>C on the coding strand, the complement: NPAT is on the minus strand). VCF-style: chr11-108222499-C-G. GRCh37 (hg19) VCF-style: chr11-108093226-C-G.
Other names: c.37+1G>C (NM_001321307.1).
Identifiers: ClinVar variation 3655046 (VCV003655046.2).

ClinVar aggregate classification (germline): Uncertain significance (1 of 4 stars; one submission).

Submission:

Labcorp Genetics (formerly Invitae), Labcorp
Classification: Uncertain significance. Last evaluated: 2024-05-29. Review status: criteria provided, single submitter. Criteria: Invitae Variant Classification Sherloc (09022015). Collection method: clinical testing. Allele origin: germline.
Comment: This sequence change affects a donor splice site in intron 1 of the NPAT gene. It is expected to disrupt RNA splicing. Variants that disrupt the donor or acceptor splice site typically lead to a loss of protein function (PMID: 16199547), however the current clinical and genetic evidence is not sufficient to establish whether loss-of-function variants in NPAT cause disease. This variant is not present in population databases (gnomAD no frequency). This variant has not been reported in the literature in individuals affected with NPAT-related conditions. Algorithms developed to predict the effect of sequence changes on RNA splicing suggest that this variant may disrupt the consensus splice site. In summary, the available evidence is currently insufficient to determine the role of this variant in disease. Therefore, it has been classified as a Variant of Uncertain Significance.

Literature cited by the submitters: PubMed 16199547.